The following is an entry in ClinVar:

ClinVar aggregate classification (germline): Uncertain significance. Review status: criteria provided, multiple submitters, no conflicts (2 of 4 stars). 2 submissions from 2 submitters: Uncertain significance (2). Last evaluated 2024-12-27.

gnomAD v4.1: 6 of 1,614,018 alleles (0.00037%); highest among the groups gnomAD compares: Non-Finnish European, 0.00051%; no homozygotes.

Submissions (2):

Mayo Clinic Laboratories, Mayo Clinic
Classification: Uncertain significance. Last evaluated: 2024-12-27. Review status: criteria provided, single submitter. Criteria: ACMG Guidelines, 2015. Collection method: clinical testing. Allele origin: germline. Observed: 1 variant allele.
Comment: PP3

Blueprint Genetics
Classification: Uncertain significance. Last evaluated: 2022-06-06. Review status: criteria provided, single submitter. Criteria: ACMG Guidelines, 2015. Collection method: clinical testing. Allele origin: germline.

NM_033629.6(TREX1):c.409G>C (p.Glu137Gln)

Genes: ATRIP (ATR interacting protein; plus strand), ATRIP-TREX1 (ATRIP-TREX1 readthrough; plus strand), TREX1 (three prime repair exonuclease 1; plus strand). Cytogenetic location: 3p21.31.
Variant type: single nucleotide variant.
Coding change: c.409G>C on transcript NM_033629.6 (MANE Select); coding-DNA position 409, G replaced by C.
Protein change: p.Glu137Gln; replaces glutamic acid 137 with glutamine.
Molecular consequence: missense variant. On other transcripts: non-coding transcript variant (1), 3 prime UTR variant (4).
Genome position (GRCh38, 1-based): chr3:48,467,064, G>C. VCF-style: chr3-48467064-G-C. GRCh37 (hg19) VCF-style: chr3-48508463-G-C.
Other names: p.Glu137Gln; c.379G>C, p.Glu127Gln (NM_007248.5); c.*1510G>C (NM_001271022.2, NM_001271023.2, NM_032166.4 and 1 more transcripts); short protein forms E127Q, E137Q.
Identifiers: ClinVar variation 4540867 (VCV004540867.2).